The following is an entry in ClinVar:

NM_001854.4(COL11A1):c.4395A>T (p.Gly1465=)

Gene: COL11A1 (collagen type XI alpha 1 chain; minus strand). Cytogenetic location: 1p21.1.
Variant type: single nucleotide variant.
Coding change: c.4395A>T on transcript NM_001854.4 (MANE Select); coding-DNA position 4395, A replaced by T.
Protein change: p.Gly1465=; no amino-acid change (glycine 1465 retained).
Molecular consequence: synonymous variant. On other transcripts: non-coding transcript variant (1).
Genome position (GRCh38, 1-based): chr1:102,889,524, T>A on the plus strand (A>T on the coding strand, the complement: COL11A1 is on the minus strand). VCF-style: chr1-102889524-T-A. GRCh37 (hg19) VCF-style: chr1-103355080-T-A.
Other names: c.4278A>T, p.Gly1426= (NM_001190709.2); c.4431A>T, p.Gly1477= (NM_080629.3); c.4047A>T, p.Gly1349= (NM_080630.4).
Identifiers: ClinVar variation 4735154 (VCV004735154.1).

ClinVar aggregate classification (germline): Uncertain significance (1 of 4 stars; one submission).

Submission:

Labcorp Genetics (formerly Invitae), Labcorp
Classification: Uncertain significance. Last evaluated: 2026-01-18. Review status: criteria provided, single submitter. Criteria: Invitae Variant Classification Sherloc (09022015). Collection method: clinical testing. Allele origin: germline.
Comment: This sequence change affects codon 1465 of the COL11A1 mRNA. It is a 'silent' change, meaning that it does not change the encoded amino acid sequence of the COL11A1 protein. This variant is not present in population databases (gnomAD no frequency). This variant has not been reported in the literature in individuals affected with COL11A1-related conditions. Algorithms developed to predict the effect of sequence changes on RNA splicing suggest that this variant may create or strengthen a splice site. In summary, the available evidence is currently insufficient to determine the role of this variant in disease. Therefore, it has been classified as a Variant of Uncertain Significance.